The following is an entry in ClinVar:

ClinVar aggregate classification (germline): Uncertain significance (1 of 4 stars; one submission).

gnomAD v4.1: 1 of 1,614,190 alleles (0.000062%); highest among the groups gnomAD compares: Non-Finnish European, 0.000085%; no homozygotes.

Submission:

GeneDx
Classification: Uncertain significance. Last evaluated: 2023-10-23. Review status: criteria provided, single submitter. Criteria: GeneDx Variant Classification Process June 2021. Collection method: clinical testing. Allele origin: germline. Affected: yes.
Comment: Not observed at significant frequency in large population cohorts (gnomAD); In silico analysis supports that this missense variant does not alter protein structure/function; Has not been previously published as pathogenic or benign to our knowledge

NM_000193.4(SHH):c.67G>C (p.Ala23Pro)

Gene: SHH (sonic hedgehog signaling molecule; minus strand). Cytogenetic location: 7q36.3.
Variant type: single nucleotide variant.
Coding change: c.67G>C on transcript NM_000193.4 (MANE Select); coding-DNA position 67, G replaced by C.
Protein change: p.Ala23Pro; replaces alanine 23 with proline.
Molecular consequence: missense variant.
Genome position (GRCh38, 1-based): chr7:155,812,056, C>G on the plus strand (G>C on the coding strand, the complement: SHH is on the minus strand). VCF-style: chr7-155812056-C-G. GRCh37 (hg19) VCF-style: chr7-155604750-C-G.
Other names: short protein forms A23P.
Identifiers: ClinVar variation 3366218 (VCV003366218.1).
Genomic context (GRCh38, chr7:155,812,056, plus strand): 5'-CTAAAGGGGTCAGCTTTTTGGGGTGCCTCCTCTTCCCGAACCCCCTGCCCGGTCCGCACG[C>G]CAGTCCCGAGCATACCAGCAGCGAGGAGACGAGGACTAGCAGCAGACATCTCGCCAGCAG-3'
Protein context (NP_000184.1, residues 13-33): VSSLLVCSGL[Ala23Pro]CGPGRGFGKR